The following is an entry in ClinVar:

ClinVar aggregate classification (germline): Likely benign. Review status: criteria provided, single submitter (1 of 4 stars). 2 submissions from 2 submitters: Likely benign (1). 1 of the submissions does not count toward it. Last evaluated 2018-08-01.

Conditions:
SOD3-related disorder. Also called: SOD3-related condition.

Allele frequency attached by ClinVar (database versions not stated): 1000 Genomes Project 0.00020; 1000 Genomes Project 30x 0.00031; gnomAD 0.00039 and 0.00041; TOPMed 0.00043; ESP Exome Variant Server 0.00085; ExAC 0.00109.
gnomAD v4.1: 1,056 of 1,605,010 alleles (0.066%); highest among the groups gnomAD compares: Non-Finnish European, 0.081%; 1 homozygote.

Submissions (2):

Labcorp Genetics (formerly Invitae), Labcorp
Classification: Likely benign. Last evaluated: 2018-08-01. Review status: criteria provided, single submitter. Criteria: Invitae Variant Classification Sherloc (09022015). Collection method: clinical testing. Allele origin: germline.

PreventionGenetics, part of Exact Sciences
Classification: Likely benign for SOD3-related condition. Last evaluated: 2019-09-24. Review status: no assertion criteria provided. Collection method: clinical testing. Allele origin: germline. Not counted in ClinVar's aggregate classification.
Comment: This variant is classified as likely benign based on ACMG/AMP sequence variant interpretation guidelines (Richards et al. 2015 PMID: 25741868, with internal and published modifications).

NM_003102.4(SOD3):c.117C>T (p.Tyr39=)

Gene: SOD3 (superoxide dismutase 3; plus strand). Cytogenetic location: 4p15.2.
Variant type: single nucleotide variant.
Coding change: c.117C>T on transcript NM_003102.4 (MANE Select); coding-DNA position 117, C replaced by T.
Protein change: p.Tyr39=; no amino-acid change (tyrosine 39 retained).
Molecular consequence: synonymous variant.
Genome position (GRCh38, 1-based): chr4:24,799,638, C>T. VCF-style: chr4-24799638-C-T. GRCh37 (hg19) VCF-style: chr4-24801260-C-T.
Identifiers: ClinVar variation 714475 (VCV000714475.5), dbSNP rs141224088, ClinGen allele CA2876213.